The following is an entry in ClinVar:

NM_000179.3(MSH6):c.3525del (p.Arg1176fs)

Gene: MSH6 (mutS homolog 6; plus strand). Cytogenetic location: 2p16.3.
Variant type: Deletion.
Coding change: c.3525del on transcript NM_000179.3 (MANE Select); coding-DNA position 3525, one base deleted (T; older notation c.3525delT).
Protein change: p.Arg1176fs; shifts the reading frame from arginine 1176.
Molecular consequence: frameshift variant.
Genome position (GRCh38, 1-based): chr2:47,804,996, T deleted. VCF-style (leftmost placement, unchanged base first): chr2-47804995-CT-C. GRCh37 (hg19) VCF-style: chr2-48032134-CT-C.
Other names: c.3135del, p.Arg1046fs (NM_001281492.2); c.2619del, p.Arg874fs (NM_001281493.2, NM_001281494.2); c.3621delT, p.Arg1208Aspfs (NM_001406795.1, NM_001406802.1); c.3525delT, p.Arg1176Aspfs (NM_001406796.1, NM_001406800.1, NM_001406808.1 and 1 more transcripts); c.3228delT, p.Arg1077Aspfs (NM_001406797.1, NM_001406801.1, NM_001406805.1 and 10 more transcripts); c.3351delT, p.Arg1118Aspfs (NM_001406798.1); c.3000delT, p.Arg1001Aspfs (NM_001406799.1, NM_001406806.1, NM_001406807.1); c.2661delT, p.Arg888Aspfs (NM_001406803.1); and 8 more; short protein forms R1046fs, R1176fs, R874fs.
Identifiers: ClinVar variation 1732301 (VCV001732301.2), dbSNP rs2530805365, ClinGen allele CA2580067190.

ClinVar aggregate classification (germline): Pathogenic (1 of 4 stars; one submission).

Conditions:
Hereditary cancer-predisposing syndrome. Also called: Neoplastic Syndromes, Hereditary; Tumor predisposition; Hereditary Cancer Syndrome; Hereditary neoplastic syndrome. Identifiers: Orphanet 140162, MedGen C0027672, MeSH D009386, MONDO:0015356.

Submission:

Ambry Genetics
Classification: Pathogenic for Hereditary cancer-predisposing syndrome. Last evaluated: 2019-10-01. Review status: criteria provided, single submitter. Criteria: Ambry Variant Classification Scheme 2023. Collection method: clinical testing. Allele origin: germline.
Comment: The c.3525delT pathogenic mutation, located in coding exon 6 of the MSH6 gene, results from a deletion of one nucleotide at nucleotide position 3525, causing a translational frameshift with a predicted alternate stop codon (p.R1176Dfs*8). This alteration is expected to result in loss of function by premature protein truncation or nonsense-mediated mRNA decay. As such, this alteration is interpreted as a disease-causing mutation.